The following is an entry in ClinVar:

NM_000038.6(APC):c.4052C>A (p.Ala1351Asp)

Gene: APC (APC regulator of Wnt signaling pathway; plus strand). Cytogenetic location: 5q22.2.
Variant type: single nucleotide variant.
Coding change: c.4052C>A on transcript NM_000038.6 (MANE Select); coding-DNA position 4052, C replaced by A.
Protein change: p.Ala1351Asp; replaces alanine 1351 with aspartic acid.
Molecular consequence: missense variant. On other transcripts: non-coding transcript variant (2).
Genome position (GRCh38, 1-based): chr5:112,839,646, C>A. VCF-style: chr5-112839646-C-A. GRCh37 (hg19) VCF-style: chr5-112175343-C-A.
Other names: c.4052C>A, p.Ala1351Asp (NM_001127510.3, NM_001354895.2, NM_001407450.1); c.3998C>A, p.Ala1333Asp (NM_001127511.3); c.4106C>A, p.Ala1369Asp (NM_001354896.2, NM_001407447.1, NM_001407448.1 and 1 more transcripts); c.4082C>A, p.Ala1361Asp (NM_001354897.2); c.3977C>A, p.Ala1326Asp (NM_001354898.2); c.3968C>A, p.Ala1323Asp (NM_001354899.2); c.3929C>A, p.Ala1310Asp (NM_001354900.2); c.3875C>A, p.Ala1292Asp (NM_001354901.2, NM_001407453.1); and 11 more; short protein forms A1268D, A1310D, A1326D, A1351D, A1361D, A1379D, A1191D, A1222D.
Identifiers: ClinVar variation 4580440 (VCV004580440.1).

ClinVar aggregate classification (germline): Uncertain significance (1 of 4 stars; one submission).

Conditions:
Hereditary cancer-predisposing syndrome. Also called: Neoplastic Syndromes, Hereditary; Tumor predisposition; Hereditary Cancer Syndrome; Hereditary neoplastic syndrome. Identifiers: Orphanet 140162, MedGen C0027672, MeSH D009386, MONDO:0015356.

Submission:

Ambry Genetics
Classification: Uncertain significance for Hereditary cancer-predisposing syndrome. Last evaluated: 2025-10-05. Review status: criteria provided, single submitter. Criteria: Ambry Variant Classification Scheme 2023. Collection method: clinical testing. Allele origin: germline.
Comment: The p.A1351D variant (also known as c.4052C>A), located in coding exon 15 of the APC gene, results from a C to A substitution at nucleotide position 4052. The alanine at codon 1351 is replaced by aspartic acid, an amino acid with dissimilar properties. This amino acid position is conserved. In addition, in silico predictors for this gene do not accurately predict pathogenicity. Based on the available evidence, the clinical significance of this variant remains unclear.